The following is an entry in ClinVar:

NM_020207.7(ERCC6L2):c.3322A>G (p.Met1108Val)

Gene: ERCC6L2 (ERCC excision repair 6 like 2; plus strand). Cytogenetic location: 9q22.32.
Variant type: single nucleotide variant.
Coding change: c.3322A>G on transcript NM_020207.7 (MANE Select); coding-DNA position 3322, A replaced by G.
Protein change: p.Met1108Val; replaces methionine 1108 with valine.
Molecular consequence: missense variant. On other transcripts: non-coding transcript variant (1).
Genome position (GRCh38, 1-based): chr9:95,973,073, A>G. VCF-style: chr9-95973073-A-G. GRCh37 (hg19) VCF-style: chr9-98735355-A-G.
Other names: c.3322A>G, p.Met1108Val (NM_001375291.1, NM_001375292.1, NM_001375293.1 and 1 more transcripts); short protein forms M1108V.
Identifiers: ClinVar variation 2956568 (VCV002956568.3), dbSNP rs1346327426, ClinGen allele CA589285487.

ClinVar aggregate classification (germline): Uncertain significance (1 of 4 stars; one submission).

Allele frequency attached by ClinVar (database versions not stated): gnomAD exomes 0.00001; TOPMed 0.00001.

Submission:

Labcorp Genetics (formerly Invitae), Labcorp
Classification: Uncertain significance. Last evaluated: 2022-11-15. Review status: criteria provided, single submitter. Criteria: Invitae Variant Classification Sherloc (09022015). Collection method: clinical testing. Allele origin: germline.
Comment: In summary, the available evidence is currently insufficient to determine the role of this variant in disease. Therefore, it has been classified as a Variant of Uncertain Significance. Algorithms developed to predict the effect of missense changes on protein structure and function are either unavailable or do not agree on the potential impact of this missense change (SIFT: "Tolerated"; PolyPhen-2: "Not Available"; Align-GVGD: "Class C0"). This variant has not been reported in the literature in individuals affected with ERCC6L2-related conditions. This variant is present in population databases (no rsID available, gnomAD 0.001%). This sequence change replaces methionine, which is neutral and non-polar, with valine, which is neutral and non-polar, at codon 1119 of the ERCC6L2 protein (p.Met1119Val).